The following is an entry in ClinVar:

NM_001367561.1(DOCK7):c.2343G>T (p.Gln781His)

Gene: DOCK7 (dedicator of cytokinesis 7; minus strand). Cytogenetic location: 1p31.3.
Variant type: single nucleotide variant.
Coding change: c.2343G>T on transcript NM_001367561.1 (MANE Select); coding-DNA position 2343, G replaced by T.
Protein change: p.Gln781His; replaces glutamine 781 with histidine.
Molecular consequence: missense variant.
Genome position (GRCh38, 1-based): chr1:62,559,077, C>A on the plus strand (G>T on the coding strand, the complement: DOCK7 is on the minus strand). VCF-style: chr1-62559077-C-A. GRCh37 (hg19) VCF-style: chr1-63024748-C-A.
Other names: c.2343G>T, p.Gln781His (NM_001271999.2, NM_001272000.2, NM_001272001.2 and 2 more transcripts); short protein forms Q781H.
Identifiers: ClinVar variation 1042249 (VCV001042249.8), dbSNP rs1646236910, ClinGen allele CA340626465.
Genomic context (GRCh38, chr1:62,559,077, plus strand): 5'-AATAACTAAAAGTATCAGTTTATCTAGCAGAAGATGAAGAAATCGGACCACTGGTTCCAG[C>A]TGGGATGAATTCAGTGCTGAAATACTGCTCTTCAATTCATTTTCTAAGTTATTTTCCATG-3'
Protein context (NP_001354490.1, residues 771-791): KSSISALNSS[Gln781His]LEPVVRFLHL

ClinVar aggregate classification (germline): Uncertain significance (1 of 4 stars; one submission).

Conditions:
Developmental and epileptic encephalopathy, 23 (DEE23). Also called: Epileptic encephalopathy, early infantile, 23. Identifiers: Orphanet 411986, MedGen C4014492, MONDO:0014371, OMIM 615859.

Allele frequency attached by ClinVar (database versions not stated): gnomAD exomes below 0.00001; TOPMed below 0.00001.
gnomAD v4.1: 2 of 1,613,844 alleles (0.00012%); highest among the groups gnomAD compares: African/African-American, 0.0027%; no homozygotes.

Submission:

Labcorp Genetics (formerly Invitae), Labcorp
Classification: Uncertain significance for Developmental and epileptic encephalopathy, 23. Last evaluated: 2022-06-20. Review status: criteria provided, single submitter. Criteria: Invitae Variant Classification Sherloc (09022015). Collection method: clinical testing. Allele origin: germline.
Comment: In summary, the available evidence is currently insufficient to determine the role of this variant in disease. Therefore, it has been classified as a Variant of Uncertain Significance. Algorithms developed to predict the effect of missense changes on protein structure and function are either unavailable or do not agree on the potential impact of this missense change (SIFT: "Deleterious"; PolyPhen-2: "Benign"; Align-GVGD: "Class C0"). ClinVar contains an entry for this variant (Variation ID: 1042249). This variant has not been reported in the literature in individuals affected with DOCK7-related conditions. This variant is not present in population databases (gnomAD no frequency). This sequence change replaces glutamine, which is neutral and polar, with histidine, which is basic and polar, at codon 781 of the DOCK7 protein (p.Gln781His).